The following is an entry in ClinVar:

NM_000038.6(APC):c.6709C>T (p.Arg2237Ter)

Gene: APC (APC regulator of Wnt signaling pathway; plus strand). Cytogenetic location: 5q22.2.
Variant type: single nucleotide variant.
Coding change: c.6709C>T on transcript NM_000038.6 (MANE Select); coding-DNA position 6709, C replaced by T.
Protein change: p.Arg2237Ter; replaces arginine 2237 with a stop codon.
Molecular consequence: nonsense.
Genome position (GRCh38, 1-based): chr5:112,842,303, C>T. VCF-style: chr5-112842303-C-T. GRCh37 (hg19) VCF-style: chr5-112178000-C-T.
Other names: c.6709C>T, p.Arg2237Ter (NM_001127510.3, NM_001354895.2); c.6655C>T, p.Arg2219Ter (NM_001127511.3); c.6763C>T, p.Arg2255Ter (NM_001354896.2); c.6739C>T, p.Arg2247Ter (NM_001354897.2); c.6634C>T, p.Arg2212Ter (NM_001354898.2); c.6625C>T, p.Arg2209Ter (NM_001354899.2); c.6586C>T, p.Arg2196Ter (NM_001354900.2); c.6532C>T, p.Arg2178Ter (NM_001354901.2); and 5 more; short protein forms R2219*, R2237*, R2136*, R2178*, R2196*, R2209*, R1954*, R2077*.
Identifiers: ClinVar variation 187612 (VCV000187612.27), dbSNP rs768922431, ClinGen allele CA012440.
Genomic context (GRCh38, chr5:112,842,303, plus strand): 5'-CTTCAAGCAAACATGCCTTCAATCTCTCGAGGCAGGACAATGATTCATATTCCAGGAGTT[C>T]GAAATAGCTCCTCAAGTACAAGTCCTGTTTCTAAAAAAGGCCCACCCCTTAAGACTCCAG-3'

ClinVar aggregate classification (germline): Pathogenic/Likely pathogenic. Review status: criteria provided, multiple submitters, no conflicts (2 of 4 stars). 9 submissions from 9 submitters: Pathogenic (8); Likely pathogenic (1). Last evaluated 2026-01-28.
ClinVar aggregate classification (oncogenicity): Likely oncogenic (1 of 4 stars; one submission).

Conditions:
Classic or attenuated familial adenomatous polyposis. Identifiers: MedGen CN372698, MONDO:0021057.
Hereditary cancer-predisposing syndrome. Also called: Neoplastic Syndromes, Hereditary; Tumor predisposition; Hereditary Cancer Syndrome; Hereditary neoplastic syndrome. Identifiers: Orphanet 140162, MedGen C0027672, MeSH D009386, MONDO:0015356.
Familial multiple polyposis syndrome (FAP). Also called: Familial Adenomatous Polyposis (FAP); Familial adenomatous polyposis; Familial intestinal polyposis; Classic familial adenomatous polyposis; Familial polyposis. Identifiers: Orphanet 733, MedGen C0032580, MONDO:0021055. Disease mechanism: loss of function.
Familial adenomatous polyposis 1 (FAP1). Also called: FAMILIAL ADENOMATOUS POLYPOSIS 1, ATTENUATED; POLYPOSIS, ADENOMATOUS INTESTINAL. Identifiers: MedGen C2713442, MONDO:0021056, OMIM 175100. Disease mechanism: loss of function.
Neoplasm. Also called: tumor; Neoplasms; Neoplasm (disease). Identifiers: MedGen C0027651, MeSH D009369, MONDO:0005070, HP:0002664.

Allele frequency attached by ClinVar (database versions not stated): gnomAD exomes below 0.00001; ExAC 0.00001.
gnomAD v4.1: 1 of 1,613,688 alleles (0.000062%); highest among the groups gnomAD compares: Non-Finnish European, 0.000085%; no homozygotes.

Submissions (10):

Labcorp Genetics (formerly Invitae), Labcorp
Classification: Pathogenic for Familial adenomatous polyposis 1. Last evaluated: 2026-01-28. Review status: criteria provided, single submitter. Criteria: Invitae Variant Classification Sherloc (09022015). Collection method: clinical testing. Allele origin: germline.
Comment: This sequence change creates a premature translational stop signal (p.Arg2237*) in the APC gene. While this is not anticipated to result in nonsense mediated decay, it is expected to disrupt the last 607 amino acid(s) of the APC protein. This variant is present in population databases (rs768922431, gnomAD 0.004%). This premature translational stop signal has been observed in individual(s) with attenuated familial adenomatous polyposis (PMID: 23159591). ClinVar contains an entry for this variant (Variation ID: 187612). This variant is expected to disrupt the EB1 and HDLG binding sites, which mediate interactions with the cytoskeleton (PMID: 15311282, 17293347). While functional studies have not been performed to directly test the effect on APC protein function, this suggests that disruption of the C-terminal portion of the protein is functionally important. A different truncation (p.Tyr2645Lysfs*14) that lies downstream of this variant has been determined to be pathogenic (PMID: 9824584, 1316610, 27081525, 8381579, 22135120, internal data). This suggests that deletion of this region of the APC protein is causative of disease. For these reasons, this variant has been classified as Pathogenic.

Center for Genomic Medicine, Rigshospitalet, Copenhagen University Hospital
Classification: Likely oncogenic for Neoplasm. Last evaluated: 2025-03-04. Review status: criteria provided, single submitter. Criteria: ClinGen/CGC/VICC Guidelines for Oncogenicity, 2022. Collection method: clinical testing. Allele origin: somatic. Affected: yes.

All of Us Research Program, National Institutes of Health
Classification: Pathogenic for Classic or attenuated familial adenomatous polyposis. Last evaluated: 2024-09-16. Review status: criteria provided, single submitter. Criteria: ACMG Guidelines, 2015. Collection method: clinical testing. Allele origin: germline. Inheritance: Autosomal dominant inheritance. Observed: 2 variant alleles, 2 heterozygotes.
Comment: This variant changes 1 nucleotide in exon 16 of the APC gene, creating a frameshift and a premature translation stop signal in the last coding exon. This mutant transcript is predicted to escape nonsense-mediated decay and be expressed as a truncated protein. Although functional studies have not been reported, this variant is expected to disrupt the basic domain, EB1 binding domain, and the HDLG binding domain (PMID: 11257105). This variant has been reported in an individual affected with attenuated familial adenomatous polyposis (PMID: 23159591) and an individual affected with colorectal cancer (PMID: 35205366). This variant has been identified in 1/245798 chromosomes in the general population by the Genome Aggregation Database (gnomAD). Loss of APC function is a known mechanism of disease. Based on the available evidence, this variant is classified as Pathogenic.

This study involves interpretation of variants in research participants for the purpose of population health screening. Participant phenotype was not available at the time of variant classification. Additional details can be found in publication PMID: 35346344, PMCID: PMC8962531

Color Diagnostics, LLC DBA Color Health
Classification: Pathogenic for Hereditary cancer-predisposing syndrome. Last evaluated: 2024-07-30. Review status: criteria provided, single submitter. Criteria: ACMG Guidelines, 2015. Collection method: clinical testing. Allele origin: germline.
Comment: This variant changes 1 nucleotide in exon 16 of the APC gene, creating a frameshift and a premature translation stop signal in the last coding exon. This mutant transcript is predicted to escape nonsense-mediated decay and be expressed as a truncated protein. Although functional studies have not been reported, this variant is expected to disrupt the basic domain, EB1 binding domain, and the HDLG binding domain (PMID: 11257105). This variant has been reported in an individual affected with attenuated familial adenomatous polyposis (PMID: 23159591) and an individual affected with colorectal cancer (PMID: 35205366). This variant has been identified in 1/245798 chromosomes in the general population by the Genome Aggregation Database (gnomAD). Loss of APC function is a known mechanism of disease. Based on the available evidence, this variant is classified as Pathogenic.

Myriad Genetics, Inc.
Classification: Pathogenic for Familial adenomatous polyposis 1. Last evaluated: 2023-05-16. Review status: criteria provided, single submitter. Criteria: Myriad Autosomal Dominant, Autosomal Recessive and X-Linked Classification Criteria (2023). Collection method: clinical testing. Allele origin: unknown.
Comment: This variant is considered pathogenic. This variant creates a termination codon and is predicted to result in premature protein truncation.

GeneDx
Classification: Pathogenic. Last evaluated: 2022-08-08. Review status: criteria provided, single submitter. Criteria: GeneDx Variant Classification Process June 2021. Collection method: clinical testing. Allele origin: germline. Affected: yes.
Comment: Nonsense variant predicted to result in protein truncation in a gene for which loss-of-function is a known mechanism of disease; Not observed in large population cohorts (gnomAD); This variant is associated with the following publications: (PMID: 30720243, 31447099, 24951259, 33941878, 23159591, 34427956, 35205366)

Ambry Genetics
Classification: Pathogenic for Hereditary cancer-predisposing syndrome. Last evaluated: 2022-07-12. Review status: criteria provided, single submitter. Criteria: Ambry Variant Classification Scheme 2023. Collection method: clinical testing. Allele origin: germline.
Comment: The p.R2237* pathogenic mutation (also known as c.6709C>T), located in coding exon 15 of the APC gene, results from a C to T substitution at nucleotide position 6709. This changes the amino acid from an arginine to a stop codon within coding exon 15. This alteration occurs at the 3' terminus of theAPC gene, is not expected to trigger nonsense-mediated mRNA decay, and impacts the last 617 amino acids of the protein. However, premature stop codons are typically deleterious in nature and the impacted region is critical for protein function and a significant portion of the protein is affected (Ambry internal data). This mutation was previously reported in an individual with attenuated polyposis (Kerr SE et al. J Mol Diagn. 2013 Jan; 15(1):31-43). Based on the supporting evidence, this alteration is interpreted as a disease-causing mutation.

Baylor Genetics
Classification: Pathogenic for Familial adenomatous polyposis 1. Last evaluated: 2021-11-26. Review status: criteria provided, single submitter. Criteria: ACMG Guidelines, 2015. Collection method: clinical testing. Allele origin: unknown.

Laboratory for Molecular Medicine, Mass General Brigham Personalized Medicine
Classification: Likely pathogenic for Familial multiple polyposis syndrome. Last evaluated: 2019-02-08. Review status: criteria provided, single submitter. Criteria: ACMG Guidelines, 2015. Collection method: clinical testing. Allele origin: germline. Inheritance: Autosomal dominant inheritance.
Comment: The p.Arg2237X variant in APC has been previously reported in 1 individual with attenuated familial adenomatous polyposis (FAP) (Kerr 2013) and has been reported in ClinVar (Variation ID#187612). This variant has been identified in 1/22278 Finnish chromosomes by the Genome Aggregation Database (gnomAD). This nonsense variant leads to a premature termination codon at position 2237. This alteration occurs within the last exon and is more likely to escape nonsense mediated decay (NMD) and result in a truncated protein. Truncating variants in the last exon of APC, including multiple variants downstream of this variant, have been reported in individuals with FAP. In summary, although additional studies are required to fully establish its clinical significance, the p.Arg2237X variant is classified as likely pathogenic for familial adenomatous polyposis in an autosomal dominant manner. ACMG/AMP Criteria applied: PVS1_Strong, PM2.

Human Genome Sequencing Center Clinical Lab, Baylor College of Medicine
Classification: Pathogenic for familial adenomatous polyposis. Last evaluated: 2018-07-05. Review status: criteria provided, single submitter. Criteria: ACMG Guidelines, 2015. Collection method: clinical testing. Allele origin: unknown.

Literature cited by the submitters: PubMed 23159591 (cited by 5 submitters); PubMed 15311282 (cited by Labcorp Genetics (formerly Invitae), Labcorp and Center for Genomic Medicine, Rigshospitalet, Copenhagen University Hospital); PubMed 17293347 (cited by Labcorp Genetics (formerly Invitae), Labcorp and Center for Genomic Medicine, Rigshospitalet, Copenhagen University Hospital); PubMed 9824584 (cited by Labcorp Genetics (formerly Invitae), Labcorp); PubMed 1316610 (cited by Labcorp Genetics (formerly Invitae), Labcorp); PubMed 27081525 (cited by Labcorp Genetics (formerly Invitae), Labcorp); PubMed 8381579 (cited by Labcorp Genetics (formerly Invitae), Labcorp); PubMed 22135120 (cited by Labcorp Genetics (formerly Invitae), Labcorp); PubMed 31175091 (cited by Center for Genomic Medicine, Rigshospitalet, Copenhagen University Hospital); PubMed 11257105 (cited by All of Us Research Program, National Institutes of Health and Color Diagnostics, LLC DBA Color Health); PubMed 35205366 (cited by All of Us Research Program, National Institutes of Health and Color Diagnostics, LLC DBA Color Health).